The following is an entry in ClinVar:

ClinVar aggregate classification (germline): Uncertain significance (1 of 4 stars; one submission).

Submission:

GeneDx
Classification: Uncertain significance. Last evaluated: 2022-10-13. Review status: criteria provided, single submitter. Criteria: GeneDx Variant Classification Process June 2021. Collection method: clinical testing. Allele origin: germline. Affected: yes.
Comment: Not observed at significant frequency in large population cohorts (gnomAD); In silico analysis supports that this missense variant does not alter protein structure/function; Has not been previously published as pathogenic or benign to our knowledge; Variants in candidate genes are classified as variants of uncertain significance in accordance with ACMG guidelines (Richards et al., 2015)

NM_012308.3(KDM2A):c.1557G>T (p.Arg519Ser)

Gene: KDM2A (lysine demethylase 2A; plus strand). Cytogenetic location: 11q13.2.
Variant type: single nucleotide variant.
Coding change: c.1557G>T on transcript NM_012308.3 (MANE Select); coding-DNA position 1557, G replaced by T.
Protein change: p.Arg519Ser; replaces arginine 519 with serine.
Molecular consequence: missense variant. On other transcripts: non-coding transcript variant (1).
Genome position (GRCh38, 1-based): chr11:67,243,086, G>T. VCF-style: chr11-67243086-G-T. GRCh37 (hg19) VCF-style: chr11-67010557-G-T.
Other names: c.240G>T, p.Arg80Ser (NM_001256405.2); short protein forms R519S, R80S.
Identifiers: ClinVar variation 4526976 (VCV004526976.1).